The following is an entry in ClinVar:

GRCh38/hg38 15q11.2-13.1(chr15:22030646-28694952)x1

Genes: ATP10A (ATPase phospholipid transporting 10A (putative); minus strand), ATP10A-DT (ATP10A divergent transcript; plus strand), CYFIP1 (cytoplasmic FMR1 interacting protein 1; minus strand), GABRA5 (gamma-aminobutyric acid type A receptor subunit alpha5; plus strand), GABRB3 (gamma-aminobutyric acid type A receptor subunit beta3; minus strand) and 179 more. Cytogenetic location: 15q11.2-13.1.
Variant type: copy number loss.
Change: copy number 1 (one copy instead of two) of chr15:22,030,646-28,694,952 (6.66 Mb, GRCh38 coordinates, 1-based), cytogenetic band 15q11.2-13.1.
Identifiers: ClinVar variation 58574 (VCV000058574.1).

ClinVar aggregate classification (germline): Pathogenic (1 of 4 stars; one submission).

Submission:

ISCA site 15
Classification: Pathogenic. Last evaluated: 2011-08-12. Review status: criteria provided, single submitter. Criteria: Kaminsky et al. (Genet Med. 2011). Collection method: clinical testing. Allele origin: unknown. Affected: yes. Observed: 1 variant allele.
Comment: Copy number variation identified through the course of routine clinical cytogenomic testing in postnatal populations. Clinical assertions have been curated as described in Kaminsky et al. 2011.